The following is an entry in ClinVar:

NM_003070.5(SMARCA2):c.2341C>T (p.Pro781Ser)

Gene: SMARCA2 (SWI/SNF related BAF chromatin remodeling complex subunit ATPase 2; plus strand). Cytogenetic location: 9p24.3.
Variant type: single nucleotide variant.
Coding change: c.2341C>T on transcript NM_003070.5 (MANE Select); coding-DNA position 2341, C replaced by T.
Protein change: p.Pro781Ser; replaces proline 781 with serine.
Molecular consequence: missense variant.
Genome position (GRCh38, 1-based): chr9:2,081,988, C>T. VCF-style: chr9-2081988-C-T. GRCh37 (hg19) VCF-style: chr9-2081988-C-T.
Other names: c.2341C>T, p.Pro781Ser (NM_001289396.2, NM_001289397.2, NM_139045.4); short protein forms P781S.
Identifiers: ClinVar variation 2714240 (VCV002714240.3), dbSNP rs2537331945, ClinGen allele CA372784334.

ClinVar aggregate classification (germline): Uncertain significance (1 of 4 stars; one submission).

Submission:

Labcorp Genetics (formerly Invitae), Labcorp
Classification: Uncertain significance. Last evaluated: 2025-03-17. Review status: criteria provided, single submitter. Criteria: Invitae Variant Classification Sherloc (09022015). Collection method: clinical testing. Allele origin: germline.
Comment: This sequence change replaces proline, which is neutral and non-polar, with serine, which is neutral and polar, at codon 781 of the SMARCA2 protein (p.Pro781Ser). This variant is not present in population databases (gnomAD no frequency). This variant has not been reported in the literature in individuals affected with SMARCA2-related conditions. ClinVar contains an entry for this variant (Variation ID: 2714240). Invitae Evidence Modeling of protein sequence and biophysical properties (such as structural, functional, and spatial information, amino acid conservation, physicochemical variation, residue mobility, and thermodynamic stability) indicates that this missense variant is expected to disrupt SMARCA2 protein function with a positive predictive value of 80%. This variant disrupts the p.Pro781 amino acid residue in SMARCA2. Other variant(s) that disrupt this residue have been determined to be pathogenic (PMID: 32694869). This suggests that this residue is clinically significant, and that variants that disrupt this residue are likely to be disease-causing. In summary, the available evidence is currently insufficient to determine the role of this variant in disease. Therefore, it has been classified as a Variant of Uncertain Significance.

Literature cited by the submitters: PubMed 32694869.